The following is an entry in ClinVar:

NM_018249.6(CDK5RAP2):c.2738dup (p.His913fs)

Gene: CDK5RAP2 (CDK5 regulatory subunit associated protein 2; minus strand). Cytogenetic location: 9q33.2.
Variant type: Duplication.
Coding change: c.2738dup on transcript NM_018249.6 (MANE Select); coding-DNA position 2738, one base duplicated (A; older notation c.2738dupA).
Protein change: p.His913fs; shifts the reading frame from histidine 913.
Molecular consequence: frameshift variant. On other transcripts: non-coding transcript variant (5), intron variant (1).
Genome position (GRCh38, 1-based): chr9:120,453,511, T duplicated on the plus strand (A on the coding strand, the reverse complement: CDK5RAP2 is on the minus strand). VCF-style (leftmost placement, unchanged base first): chr9-120453510-G-GT. GRCh37 (hg19) VCF-style: chr9-123215788-G-GT.
Other names: c.2738dup, p.His913fs (NM_001011649.3); c.2639dup, p.His880fs (NM_001410992.1); c.2642dup, p.His881fs (NM_001410993.1); c.2735dup, p.His912fs (NM_001410994.1); c.2104-5385dup (NM_001272039.2); short protein forms H880fs, H881fs, H912fs, H913fs.
Identifiers: ClinVar variation 5038652 (VCV005038652.1).
Genomic context (GRCh38, chr9:120,453,510, plus strand): 5'-ACTTACTCTGTTGGTAATACCAGGGAGGGAAAGGAGGGCAGCCTGCCACCCAGGCACCCC[G>GT]TGCAGGTTCTCTGGCCGATGCTCTGCGCTGAGTGCAGTGTTGATCGGTTTCTCTTCCCAA-3'

ClinVar aggregate classification (germline): Pathogenic (1 of 4 stars; one submission).

Submission:

CeGaT Center for Human Genetics Tuebingen
Classification: Pathogenic. Last evaluated: 2026-08-01. Review status: criteria provided, single submitter. Criteria: CeGaT Center For Human Genetics Tuebingen Variant Classification Criteria Version 2. Collection method: clinical testing. Allele origin: germline. Affected: yes. Observed: 1 variant allele.
Comment: CDK5RAP2: PVS1, PM2